The following is an entry in ClinVar:

ClinVar aggregate classification (germline): Uncertain significance (1 of 4 stars; one submission).

Conditions:
AICA-ribosiduria. Also called: ATIC DEFICIENCY; AICA-ribosiduria due to ATIC deficiency. Identifiers: Orphanet 250977, MedGen C1837530, MONDO:0012099, OMIM 608688.

Allele frequency attached by ClinVar (database versions not stated): gnomAD 0.00001; TOPMed 0.00001.
gnomAD v4.1: 7 of 1,614,044 alleles (0.00043%); highest among the groups gnomAD compares: African/African-American, 0.0013%; no homozygotes.

Submission:

Baylor Genetics
Classification: Uncertain significance for AICA-ribosiduria. Last evaluated: 2019-05-01. Review status: criteria provided, single submitter. Criteria: ACMG Guidelines, 2015. Collection method: clinical testing. Allele origin: unknown. Affected: yes.
Comment: This variant was determined to be of uncertain significance according to ACMG Guidelines, 2015 [PMID:25741868].

NM_004044.7(ATIC):c.1474G>T (p.Asp492Tyr)

Gene: ATIC (5-aminoimidazole-4-carboxamide ribonucleotide formyltransferase/IMP cyclohydrolase; plus strand). Cytogenetic location: 2q35.
Variant type: single nucleotide variant.
Coding change: c.1474G>T on transcript NM_004044.7 (MANE Select); coding-DNA position 1474, G replaced by T.
Protein change: p.Asp492Tyr; replaces aspartic acid 492 with tyrosine.
Molecular consequence: missense variant.
Genome position (GRCh38, 1-based): chr2:215,346,912, G>T. VCF-style: chr2-215346912-G-T. GRCh37 (hg19) VCF-style: chr2-216211635-G-T.
Other names: short protein forms D492Y.
Identifiers: ClinVar variation 1030737 (VCV001030737.1), dbSNP rs771474223, ClinGen allele CA350458579.